The following is an entry in ClinVar:

ClinVar aggregate classification (germline): Uncertain significance (1 of 4 stars; one submission).

Submission:

Labcorp Genetics (formerly Invitae), Labcorp
Classification: Uncertain significance. Last evaluated: 2022-03-20. Review status: criteria provided, single submitter. Criteria: Invitae Variant Classification Sherloc (09022015). Collection method: clinical testing. Allele origin: germline.
Comment: Algorithms developed to predict the effect of missense changes on protein structure and function (SIFT, PolyPhen-2, Align-GVGD) all suggest that this variant is likely to be tolerated. This variant has not been reported in the literature in individuals affected with SEMA4A-related conditions. This variant is not present in population databases (gnomAD no frequency). In summary, the available evidence is currently insufficient to determine the role of this variant in disease. Therefore, it has been classified as a Variant of Uncertain Significance. This sequence change replaces threonine, which is neutral and polar, with asparagine, which is neutral and polar, at codon 30 of the SEMA4A protein (p.Thr30Asn).

NM_022367.4(SEMA4A):c.89C>A (p.Thr30Asn)

Gene: SEMA4A (semaphorin 4A; plus strand). Cytogenetic location: 1q22.
Variant type: single nucleotide variant.
Coding change: c.89C>A on transcript NM_022367.4 (MANE Select); coding-DNA position 89, C replaced by A.
Protein change: p.Thr30Asn; replaces threonine 30 with asparagine.
Molecular consequence: missense variant. On other transcripts: 5 prime UTR variant (1), intron variant (3).
Genome position (GRCh38, 1-based): chr1:156,154,667, C>A. VCF-style: chr1-156154667-C-A. GRCh37 (hg19) VCF-style: chr1-156124458-C-A.
Other names: c.89C>A, p.Thr30Asn (NM_001193300.2, NM_001193301.2, NM_001370567.1); c.-436C>A (NM_001370571.1); c.-385-1747C>A (NM_001370569.1); c.-158-1747C>A (NM_001370568.1); c.-159+903C>A (NM_001193302.2); short protein forms T30N.
Identifiers: ClinVar variation 1958724 (VCV001958724.5), dbSNP rs1217777303, ClinGen allele CA342834017.